The following is an entry in ClinVar:

ClinVar aggregate classification (germline): Uncertain significance (1 of 4 stars; one submission).

Conditions:
Brugada syndrome 8 (BRGDA8). Identifiers: Orphanet 130, MedGen C2751083, MONDO:0013148, OMIM 613123.

Submission:

Labcorp Genetics (formerly Invitae), Labcorp
Classification: Uncertain significance for Brugada syndrome 8. Last evaluated: 2023-12-31. Review status: criteria provided, single submitter. Criteria: Invitae Variant Classification Sherloc (09022015). Collection method: clinical testing. Allele origin: germline.
Comment: This variant, c.1745_1747del, results in the deletion of 1 amino acid(s) of the HCN4 protein (p.Ile582del), but otherwise preserves the integrity of the reading frame. This variant is not present in population databases (gnomAD no frequency). This variant has not been reported in the literature in individuals affected with HCN4-related conditions. Experimental studies and prediction algorithms are not available or were not evaluated, and the functional significance of this variant is currently unknown. In summary, the available evidence is currently insufficient to determine the role of this variant in disease. Therefore, it has been classified as a Variant of Uncertain Significance.

NM_005477.3(HCN4):c.1742TCA[1] (p.Ile582del)

Gene: HCN4 (hyperpolarization activated cyclic nucleotide gated potassium channel 4; minus strand). Cytogenetic location: 15q24.1.
Variant type: Microsatellite.
Coding change: c.1742TCA[1] on transcript NM_005477.3 (MANE Select); one copy of the 3-base unit TCA starting at c.1742; the reference has two copies in a row; one copy, 3 bases deleted.
Protein change: p.Ile582del; deletes isoleucine 582.
Molecular consequence: inframe deletion.
Genome position (GRCh38, 1-based): chr15:73,325,186-73,325,188, TGA deleted on the plus strand (TCA on the coding strand, the reverse complement: HCN4 is on the minus strand); deleting any 3 consecutive bases within chr15:73,325,186-73,325,192 gives the same sequence; the position shown is the placement nearest the transcript's 3' end. VCF-style (leftmost placement, unchanged base first): chr15-73325185-TTGA-T. GRCh37 (hg19) VCF-style: chr15-73617526-TTGA-T.
Other names: short protein forms I582del.
Identifiers: ClinVar variation 2706737 (VCV002706737.3), dbSNP rs2549070021, ClinGen allele CA2697549187.
Genomic context (GRCh38, chr15:73,325,185, plus strand): 5'-AAGTTGGGGTCCGCATTGGCAAACAGTGGCATGGAGGCCACCAGCTTCCGACAGTTAAAG[TTGA>T]TGATCTCCTGCCGGACAGGGTGGATTGGGACACGGGAAGGAGGTGGTGAGGGGAGCTGGC-3'